The following is an entry in ClinVar:

NM_001486.4(GCKR):c.1294C>T (p.His432Tyr)

Gene: GCKR (glucokinase regulator; plus strand). Cytogenetic location: 2p23.3.
Variant type: single nucleotide variant.
Coding change: c.1294C>T on transcript NM_001486.4 (MANE Select); coding-DNA position 1294, C replaced by T.
Protein change: p.His432Tyr; replaces histidine 432 with tyrosine.
Molecular consequence: missense variant.
Genome position (GRCh38, 1-based): chr2:27,508,030, C>T. VCF-style: chr2-27508030-C-T. GRCh37 (hg19) VCF-style: chr2-27730897-C-T.
Other names: short protein forms H432Y.
Identifiers: ClinVar variation 1978373 (VCV001978373.4), dbSNP rs1669792000, ClinGen allele CA346419207.

ClinVar aggregate classification (germline): Uncertain significance (1 of 4 stars; one submission).

Allele frequency attached by ClinVar (database versions not stated): gnomAD exomes below 0.00001; TOPMed below 0.00001.

Submission:

Labcorp Genetics (formerly Invitae), Labcorp
Classification: Uncertain significance. Last evaluated: 2022-02-20. Review status: criteria provided, single submitter. Criteria: Invitae Variant Classification Sherloc (09022015). Collection method: clinical testing. Allele origin: germline.
Comment: In summary, the available evidence is currently insufficient to determine the role of this variant in disease. Therefore, it has been classified as a Variant of Uncertain Significance. Algorithms developed to predict the effect of missense changes on protein structure and function (SIFT, PolyPhen-2, Align-GVGD) all suggest that this variant is likely to be tolerated. This variant has not been reported in the literature in individuals affected with GCKR-related conditions. This variant is not present in population databases (gnomAD no frequency). This sequence change replaces histidine, which is basic and polar, with tyrosine, which is neutral and polar, at codon 432 of the GCKR protein (p.His432Tyr).